The following is an entry in ClinVar:

NM_001330260.2(SCN8A):c.2988C>G (p.Asn996Lys)

Gene: SCN8A (sodium voltage-gated channel alpha subunit 8; plus strand). Cytogenetic location: 12q13.13.
Variant type: single nucleotide variant.
Coding change: c.2988C>G on transcript NM_001330260.2 (MANE Select); coding-DNA position 2988, C replaced by G.
Protein change: p.Asn996Lys; replaces asparagine 996 with lysine.
Molecular consequence: missense variant.
Genome position (GRCh38, 1-based): chr12:51,768,951, C>G. VCF-style: chr12-51768951-C-G. GRCh37 (hg19) VCF-style: chr12-52162735-C-G.
Other names: c.2988C>G, p.Asn996Lys (NM_001177984.3, NM_001369788.1, NM_014191.4); short protein forms N996K.
Identifiers: ClinVar variation 2825271 (VCV002825271.3), dbSNP rs2540265749, ClinGen allele CA384892054.

ClinVar aggregate classification (germline): Uncertain significance (1 of 4 stars; one submission).

Conditions:
Early-infantile DEE. Also called: Early infantile epileptic encephalopathy; Early infantile epileptic encephalopathy with suppression bursts; Ohtahara syndrome. Identifiers: Orphanet 1934, MedGen C0393706, MONDO:0800491.

Submission:

Labcorp Genetics (formerly Invitae), Labcorp
Classification: Uncertain significance for Early-infantile DEE. Last evaluated: 2023-05-27. Review status: criteria provided, single submitter. Criteria: Invitae Variant Classification Sherloc (09022015). Collection method: clinical testing. Allele origin: germline.
Comment: In summary, the available evidence is currently insufficient to determine the role of this variant in disease. Therefore, it has been classified as a Variant of Uncertain Significance. Advanced modeling of protein sequence and biophysical properties (such as structural, functional, and spatial information, amino acid conservation, physicochemical variation, residue mobility, and thermodynamic stability) performed at Invitae indicates that this missense variant is not expected to disrupt SCN8A protein function. This variant has not been reported in the literature in individuals affected with SCN8A-related conditions. This variant is not present in population databases (gnomAD no frequency). This sequence change replaces asparagine, which is neutral and polar, with lysine, which is basic and polar, at codon 996 of the SCN8A protein (p.Asn996Lys).